The following is an entry in ClinVar:

NM_001178015.2(SLC4A10):c.1655G>T (p.Gly552Val)

Gene: SLC4A10 (solute carrier family 4 member 10; plus strand). Cytogenetic location: 2q24.2.
Variant type: single nucleotide variant.
Coding change: c.1655G>T on transcript NM_001178015.2 (MANE Select); coding-DNA position 1655, G replaced by T.
Protein change: p.Gly552Val; replaces glycine 552 with valine.
Molecular consequence: missense variant.
Genome position (GRCh38, 1-based): chr2:161,904,813, G>T. VCF-style: chr2-161904813-G-T. GRCh37 (hg19) VCF-style: chr2-162761323-G-T.
Other names: c.1598G>T, p.Gly533Val (NM_001178016.2, NM_001354445.2); c.1655G>T, p.Gly552Val (NM_001354440.2); c.1688G>T, p.Gly563Val (NM_001354441.2, NM_001354442.2); c.1601G>T, p.Gly534Val (NM_001354443.2, NM_001354447.2); c.1652G>T, p.Gly551Val (NM_001354444.2); c.1565G>T, p.Gly522Val (NM_001354446.2, NM_001354450.2, NM_022058.4); c.1595G>T, p.Gly532Val (NM_001354448.2); c.1562G>T, p.Gly521Val (NM_001354449.2, NM_001354451.2); and 3 more; short protein forms G329V, G473V, G521V, G522V, G532V, G533V, G534V, G551V.
Identifiers: ClinVar variation 3049974 (VCV003049974.2), dbSNP rs2470634489, ClinGen allele CA348980155.
Genomic context (GRCh38, chr2:161,904,813, plus strand): 5'-GAACCATTTATATCTCTACACAGAGTGCAATTGAATCTCTCTTTGGAGCATCCATGACCG[G>T]GATAGCCTATTCTCTCTTTGGTGGACAGCCTCTTACCATATTAGGCAGTACAGGACCAGT-3'
Protein context (NP_001171486.1, residues 542-562): IESLFGASMT[Gly552Val]IAYSLFGGQP

ClinVar aggregate classification (germline): Uncertain significance (0 of 4 stars; one submission).

Conditions:
SLC4A10-related disorder. Also called: SLC4A10-related condition.

Submission:

PreventionGenetics, part of Exact Sciences
Classification: Uncertain significance for SLC4A10-related condition. Last evaluated: 2023-12-06. Review status: no assertion criteria provided. Collection method: clinical testing. Allele origin: germline.
Comment: The SLC4A10 c.1565G>T variant is predicted to result in the amino acid substitution p.Gly522Val. To our knowledge, this variant has not been reported in the literature or in a large population database, indicating this variant is rare. At this time, the clinical significance of this variant is uncertain due to the absence of conclusive functional and genetic evidence.